The following is an entry in ClinVar:

NM_198253.3(TERT):c.1612G>C (p.Glu538Gln)

Gene: TERT (telomerase reverse transcriptase; minus strand). Cytogenetic location: 5p15.33.
Variant type: single nucleotide variant.
Coding change: c.1612G>C on transcript NM_198253.3 (MANE Select); coding-DNA position 1612, G replaced by C.
Protein change: p.Glu538Gln; replaces glutamic acid 538 with glutamine.
Molecular consequence: missense variant. On other transcripts: non-coding transcript variant (2).
Genome position (GRCh38, 1-based): chr5:1,282,586, C>G on the plus strand (G>C on the coding strand, the complement: TERT is on the minus strand). VCF-style: chr5-1282586-C-G. GRCh37 (hg19) VCF-style: chr5-1282701-C-G.
Other names: c.1612G>C, p.Glu538Gln (NM_001193376.3, NM_003219.1); short protein forms E538Q.
Identifiers: ClinVar variation 3238519 (VCV003238519.1), dbSNP rs2126649912.

ClinVar aggregate classification (germline): Uncertain significance (1 of 4 stars; one submission).

Conditions:
Dyskeratosis congenita. Identifiers: Orphanet 1775, MedGen C0265965, MONDO:0015780.

Allele frequency attached by ClinVar (database versions not stated): gnomAD exomes below 0.00001.
gnomAD v4.1: 1 of 1,614,108 alleles (0.000062%); highest among the groups gnomAD compares: Middle Eastern, 0.016%; no homozygotes.

Submission:

Ambry Genetics
Classification: Uncertain significance for Dyskeratosis congenita. Last evaluated: 2024-02-20. Review status: criteria provided, single submitter. Criteria: Ambry Variant Classification Scheme 2023. Collection method: clinical testing. Allele origin: germline.
Comment: The p.E538Q variant (also known as c.1612G>C), located in coding exon 3 of the TERT gene, results from a G to C substitution at nucleotide position 1612. The glutamic acid at codon 538 is replaced by glutamine, an amino acid with highly similar properties. This amino acid position is conserved. In addition, this alteration is predicted to be tolerated by in silico analysis. Based on the available evidence, the clinical significance of this alteration remains unclear.